The following is an entry in ClinVar:

NM_001170535.3(ATAD3A):c.19A>G (p.Ile7Val)

Gene: ATAD3A (ATPase family AAA domain containing 3A; plus strand). Cytogenetic location: 1p36.33.
Variant type: single nucleotide variant.
Coding change: c.19A>G on transcript NM_001170535.3 (MANE Select); coding-DNA position 19, A replaced by G.
Protein change: p.Ile7Val; replaces isoleucine 7 with valine.
Molecular consequence: missense variant.
Genome position (GRCh38, 1-based): chr1:1,512,287, A>G. VCF-style: chr1-1512287-A-G. GRCh37 (hg19) VCF-style: chr1-1447667-A-G.
Other names: c.19A>G (NM_018188.3); c.19A>G, p.Ile7Val (NM_018188.5); short protein forms I7V.
Identifiers: ClinVar variation 1675332 (VCV001675332.34), dbSNP rs201314162, ClinGen allele CA525584.

ClinVar aggregate classification (germline): Benign/Likely benign. Review status: criteria provided, multiple submitters, no conflicts (2 of 4 stars). 5 submissions from 5 submitters: Benign (3); Likely benign (2). Last evaluated 2026-01-22.

Conditions:
Inborn genetic diseases. Identifiers: MedGen C0950123, MeSH D030342.
Harel-Yoon syndrome (HAYOS). Also called: Optic atrophy-peripheral neuropathy-developmental delay syndrome. Identifiers: Orphanet 496790, MedGen C4310677, MONDO:0014958, OMIM 617183.

Allele frequency attached by ClinVar (database versions not stated): gnomAD exomes 0.00329; ExAC 0.00532; 1000 Genomes Project 0.00679; 1000 Genomes Project 30x 0.00687; TOPMed 0.01040.

Submissions (5):

Ambry Genetics
Classification: Benign for Inborn genetic diseases. Last evaluated: 2026-01-22. Review status: criteria provided, single submitter. Criteria: Ambry Variant Classification Scheme 2023. Collection method: clinical testing. Allele origin: germline.

Blueprint Genetics
Classification: Likely benign. Last evaluated: 2024-11-26. Review status: criteria provided, single submitter. Criteria: ACMG Guidelines, 2015. Collection method: clinical testing. Allele origin: germline.

CeGaT Center for Human Genetics Tuebingen
Classification: Benign. Last evaluated: 2024-09-01. Review status: criteria provided, single submitter. Criteria: CeGaT Center For Human Genetics Tuebingen Variant Classification Criteria Version 2. Collection method: clinical testing. Allele origin: germline. Affected: yes. Observed: 18 variant alleles.
Comment: ATAD3A: BS1, BS2

Molecular Genetics, Royal Melbourne Hospital
Classification: Benign for Harel-Yoon syndrome. Last evaluated: 2023-05-04. Review status: criteria provided, single submitter. Criteria: ACMG Guidelines, 2015. Collection method: clinical testing. Allele origin: germline. Affected: yes.
Comment: African/African American population allele frequency is 1.231% (rs201315462, 884/67870 alleles, 8 homozygotes in gnomAD v3.1). Based on the classification scheme RMH Modified ACMG/AMP Guidelines v1.5.1, this variant is classified as BENIGN. Following criteria are met: BA1

Breakthrough Genomics
Classification: Likely benign. Review status: criteria provided, single submitter. Criteria: ACMG Guidelines, 2015. Collection method: not provided. Allele origin: germline. Inheritance: Autosomal recessive inheritance. Affected: yes.